The following is an entry in ClinVar:

NM_006516.4(SLC2A1):c.598C>T (p.Gln200Ter)

Gene: SLC2A1 (solute carrier family 2 member 1; minus strand). Cytogenetic location: 1p34.2.
Variant type: single nucleotide variant.
Coding change: c.598C>T on transcript NM_006516.4 (MANE Select); coding-DNA position 598, C replaced by T.
Protein change: p.Gln200Ter; replaces glutamine 200 with a stop codon.
Molecular consequence: nonsense.
Genome position (GRCh38, 1-based): chr1:42,929,954, G>A on the plus strand (C>T on the coding strand, the complement: SLC2A1 is on the minus strand). VCF-style: chr1-42929954-G-A. GRCh37 (hg19) VCF-style: chr1-43395625-G-A.
Other names: short protein forms Q200*.
Identifiers: ClinVar variation 384478 (VCV000384478.10), dbSNP rs1057521967, ClinGen allele CA16603691.

ClinVar aggregate classification (germline): Pathogenic/Likely pathogenic. Review status: criteria provided, multiple submitters, no conflicts (2 of 4 stars). 3 submissions from 3 submitters: Pathogenic (1); Likely pathogenic (2). Last evaluated 2023-04-11.

Conditions:
GLUT1 deficiency syndrome 1, autosomal recessive. Identifiers: MedGen C3149117.
Encephalopathy due to GLUT1 deficiency. Also called: GLUT1 deficiency syndrome 1, infantile onset, severe; De Vivo disease; Classic Glucose Transporter Type 1 Deficiency Syndrome; GLUCOSE TRANSPORT DEFECT, BLOOD-BRAIN BARRIER; Glucose transporter protein syndrome; GLUT1 deficiency syndrome 1. Identifiers: Orphanet 71277, MedGen C4551966, MONDO:0011724, OMIM 606777.

Submissions (3):

Genome-Nilou Lab
Classification: Likely pathogenic for Encephalopathy due to GLUT1 deficiency. Last evaluated: 2023-04-11. Review status: criteria provided, single submitter. Criteria: ACMG Guidelines, 2015. Collection method: clinical testing. Allele origin: germline. Affected: no.

Labcorp Genetics (formerly Invitae), Labcorp
Classification: Pathogenic for GLUT1 deficiency syndrome 1, autosomal recessive. Last evaluated: 2022-08-16. Review status: criteria provided, single submitter. Criteria: Invitae Variant Classification Sherloc (09022015). Collection method: clinical testing. Allele origin: germline.
Comment: For these reasons, this variant has been classified as Pathogenic. ClinVar contains an entry for this variant (Variation ID: 384478). This premature translational stop signal has been observed in individual(s) with clinical features of SLC2A1-related conditions (PMID: 28135719). This variant is not present in population databases (gnomAD no frequency). This sequence change creates a premature translational stop signal (p.Gln200*) in the SLC2A1 gene. It is expected to result in an absent or disrupted protein product. Loss-of-function variants in SLC2A1 are known to be pathogenic (PMID: 21832227, 26193382).

GeneDx
Classification: Likely pathogenic. Last evaluated: 2016-03-18. Review status: criteria provided, single submitter. Criteria: GeneDx Variant Classification (06012015). Collection method: clinical testing. Allele origin: germline. Affected: yes.
Comment: A novel Q200X variant that is likely pathogenic has been identified in the SLC2A1 gene. The Q200X variant has not been published as a pathogenic variant, nor has it been reported as a benign variant to our knowledge. It was not observed in approximately 6,500 individuals of European and African American ancestry in the NHLBI Exome Sequencing Project, indicating it is not a common benign variant in these populations. The Q200X nonsense variant in the SLC2A1 gene is predicted to cause loss of normal protein function either through protein truncation or nonsense-mediated mRNA decay. Therefore, this variant is likely pathogenic; however, the possibility that it is benign cannot be excluded.

Literature cited by the submitters: PubMed 28135719 (cited by Labcorp Genetics (formerly Invitae), Labcorp); PubMed 21832227 (cited by Labcorp Genetics (formerly Invitae), Labcorp); PubMed 26193382 (cited by Labcorp Genetics (formerly Invitae), Labcorp).